The following is an entry in ClinVar:

ClinVar aggregate classification (germline): Uncertain significance. Review status: criteria provided, multiple submitters, no conflicts (2 of 4 stars). 3 submissions from 3 submitters: Uncertain significance (3). Last evaluated 2025-10-08.

Conditions:
Neurofibromatosis, type 2 (SWNV). Also called: BILATERAL ACOUSTIC NEUROFIBROMATOSIS; SCHWANNOMATOSIS, VESTIBULAR; NF2-Related Schwannomatosis. Identifiers: Orphanet 637, MedGen C0027832, MONDO:0007039, OMIM 101000. Disease mechanism: loss of function.
Hereditary cancer-predisposing syndrome. Also called: Neoplastic Syndromes, Hereditary; Tumor predisposition; Hereditary neoplastic syndrome; Hereditary Cancer Syndrome. Identifiers: Orphanet 140162, MedGen C0027672, MeSH D009386, MONDO:0015356.
Familial meningioma. Also called: Meningioma, familial, susceptibility to. Identifiers: Orphanet 263662, MedGen C3551915, MONDO:0011789, OMIM 607174.

gnomAD v4.1: 1 of 1,613,998 alleles (0.000062%); highest among the groups gnomAD compares: Non-Finnish European, 0.000085%; no homozygotes.

Submissions (3):

Labcorp Genetics (formerly Invitae), Labcorp
Classification: Uncertain significance for Neurofibromatosis, type 2. Last evaluated: 2025-10-08. Review status: criteria provided, single submitter. Criteria: Invitae Variant Classification Sherloc (09022015). Collection method: clinical testing. Allele origin: germline.
Comment: This sequence change replaces methionine, which is neutral and non-polar, with valine, which is neutral and non-polar, at codon 334 of the NF2 protein (p.Met334Val). This variant is not present in population databases (gnomAD no frequency). This variant has not been reported in the literature in individuals affected with NF2-related conditions. ClinVar contains an entry for this variant (Variation ID: 457888). An algorithm developed to predict the effect of missense changes on protein structure and function (PolyPhen-2) suggests that this variant is likely to be tolerated. In summary, the available evidence is currently insufficient to determine the role of this variant in disease. Therefore, it has been classified as a Variant of Uncertain Significance.

Baylor Genetics
Classification: Uncertain significance for Familial meningioma. Last evaluated: 2023-07-25. Review status: criteria provided, single submitter. Criteria: ACMG Guidelines, 2015. Collection method: clinical testing. Allele origin: unknown.

Ambry Genetics
Classification: Uncertain significance for Hereditary cancer-predisposing syndrome. Last evaluated: 2022-03-19. Review status: criteria provided, single submitter. Criteria: Ambry Variant Classification Scheme 2023. Collection method: clinical testing. Allele origin: germline.
Comment: The p.M334V variant (also known as c.1000A>G) is located in coding exon 11 of the NF2 gene. The methionine at codon 334 is replaced by valine, an amino acid with highly similar properties. This change occurs in the first base pair of coding exon 11. This amino acid position is conserved. In addition, this alteration is predicted to be tolerated by in silico analysis. Since supporting evidence is limited at this time, the clinical significance of this alteration remains unclear.

NM_000268.4(NF2):c.1000A>G (p.Met334Val)

Gene: NF2 (NF2, moesin-ezrin-radixin like (MERLIN) tumor suppressor; plus strand). Cytogenetic location: 22q12.2.
Variant type: single nucleotide variant.
Coding change: c.1000A>G on transcript NM_000268.4 (MANE Select); coding-DNA position 1000, A replaced by G.
Protein change: p.Met334Val; replaces methionine 334 with valine.
Molecular consequence: missense variant. On other transcripts: non-coding transcript variant (1), intron variant (1).
Genome position (GRCh38, 1-based): chr22:29,671,826, A>G. VCF-style: chr22-29671826-A-G. GRCh37 (hg19) VCF-style: chr22-30067815-A-G.
Other names: c.1000A>G, p.Met334Val (NM_016418.5, NM_181825.3, NM_181832.3); c.874A>G, p.Met292Val (NM_181828.3); c.877A>G, p.Met293Val (NM_181829.3); c.751A>G, p.Met251Val (NM_181830.3, NM_181831.3); c.448-22926A>G (NM_181833.3); short protein forms M334V, M293V, M292V, M251V.
Identifiers: ClinVar variation 457888 (VCV000457888.12), dbSNP rs1556000094, ClinGen allele CA411146630.